The following is an entry in ClinVar:

ClinVar aggregate classification (germline): Pathogenic/Likely pathogenic. Review status: criteria provided, multiple submitters, no conflicts (2 of 4 stars). 5 submissions from 5 submitters: Pathogenic (4); Likely pathogenic (1). Last evaluated 2025-05-09.

Conditions:
Primary ciliary dyskinesia. Also called: Ciliary dyskinesia. Identifiers: Orphanet 244, MedGen C0008780, MONDO:0016575, HP:0012265.
Primary ciliary dyskinesia 7. Also called: CILIARY DYSKINESIA, PRIMARY, 7, WITH OR WITHOUT SITUS INVERSUS. Identifiers: Orphanet 244, MedGen C2678473, MONDO:0012748, OMIM 611884.

Submissions (5):

Clinical Genomics Laboratory, Washington University in St. Louis
Classification: Likely pathogenic for Primary ciliary dyskinesia 7. Last evaluated: 2025-05-09. Review status: criteria provided, single submitter. Criteria: ACMG Guidelines, 2015. Collection method: clinical testing. Allele origin: germline. Affected: yes.
Comment: The DNAH11 c.10221_10222del (p.Cys3408Trpfs*54) variant, to our knowledge, has not been reported in the medical literature. This variant is only observed on 2 out of 279,372 alleles in the general population (gnomAD v2.1), indicating it is not a common variant. This variant causes a frameshift by deleting two nucleotides, leading to a premature termination codon, which is predicted to lead to nonsense mediated decay. This variant has been reported in the ClinVar database as a germline pathogenic variant by four submitters (ClinVar Variation ID: 283902). Based on available information and the ACMG/AMP guidelines for variant interpretation (Richards S et al., PMID: 25741868), this variant is classified as likely pathogenic.

Labcorp Genetics (formerly Invitae), Labcorp
Classification: Pathogenic for Primary ciliary dyskinesia. Last evaluated: 2023-11-13. Review status: criteria provided, single submitter. Criteria: Invitae Variant Classification Sherloc (09022015). Collection method: clinical testing. Allele origin: germline.
Comment: This sequence change creates a premature translational stop signal (p.Cys3408Trpfs*54) in the DNAH11 gene. It is expected to result in an absent or disrupted protein product. Loss-of-function variants in DNAH11 are known to be pathogenic (PMID: 18022865, 20513915, 22184204). This variant is present in population databases (no rsID available, gnomAD 0.002%). This variant has not been reported in the literature in individuals affected with DNAH11-related conditions. ClinVar contains an entry for this variant (Variation ID: 283902). For these reasons, this variant has been classified as Pathogenic.

Ambry Genetics
Classification: Pathogenic for Primary ciliary dyskinesia. Last evaluated: 2022-06-14. Review status: criteria provided, single submitter. Criteria: Ambry Variant Classification Scheme 2023. Collection method: clinical testing. Allele origin: germline.
Comment: The c.10221_10222delCT pathogenic mutation, located in coding exon 63 of the DNAH11 gene, results from a deletion of two nucleotides at nucleotide positions 10221 to 10222, causing a translational frameshift with a predicted alternate stop codon (p.C3408Wfs*54). This alteration is expected to result in loss of function by premature protein truncation or nonsense-mediated mRNA decay. As such, this alteration is interpreted as a disease-causing mutation.

Centre for Genomic and Experimental Medicine, University of Edinburgh
Classification: Pathogenic for Primary ciliary dyskinesia. Last evaluated: 2020-04-01. Review status: criteria provided, single submitter. Criteria: ACMG Guidelines, 2015. Collection method: research. Allele origin: inherited, unknown. Affected: yes and no. Observed: 1 heterozygote, 1 compound heterozygote.

Eurofins Ntd Llc (ga)
Classification: Pathogenic. Last evaluated: 2017-10-02. Review status: criteria provided, single submitter. Criteria: EGL Classification Definitions 2015. Collection method: clinical testing. Allele origin: germline. Observed: 2 variant alleles, 2 heterozygotes.

Literature cited by the submitters: PubMed 18022865 (cited by Labcorp Genetics (formerly Invitae), Labcorp); PubMed 20513915 (cited by Labcorp Genetics (formerly Invitae), Labcorp); PubMed 22184204 (cited by Labcorp Genetics (formerly Invitae), Labcorp).

NM_001277115.2(DNAH11):c.10221_10222del (p.Cys3408fs)

Gene: DNAH11 (dynein axonemal heavy chain 11; plus strand). Cytogenetic location: 7p15.3.
Variant type: Microsatellite.
Coding change: c.10221_10222del on transcript NM_001277115.2 (MANE Select); coding-DNA positions 10221 to 10222, 2 bases deleted (CT; older notation c.10221_10222delCT).
Protein change: p.Cys3408fs; shifts the reading frame from cysteine 3408.
Molecular consequence: frameshift variant.
Genome position (GRCh38, 1-based): chr7:21,807,938-21,807,939, CT deleted; deleting any 2 consecutive bases within chr7:21,807,936-21,807,939 gives the same sequence; the c. name uses the placement nearest the transcript's 3' end. VCF-style (leftmost placement, unchanged base first): chr7-21807935-ACT-A. GRCh37 (hg19) VCF-style: chr7-21847553-ACT-A.
Other names: c.10221_10222delCT (NM_001277115.1); short protein forms C3408fs.
Identifiers: ClinVar variation 283902 (VCV000283902.16), dbSNP rs886042735, ClinGen allele CA10604621.